The following is an entry in ClinVar:

ClinVar aggregate classification (germline): Pathogenic. Review status: reviewed by expert panel (3 of 4 stars). 10 submissions from 10 submitters: Pathogenic (1). 9 of the submissions do not count toward it. Last evaluated 2016-09-08.

Conditions:
Hereditary cancer-predisposing syndrome. Also called: Tumor predisposition; Neoplastic Syndromes, Hereditary; Hereditary neoplastic syndrome; Hereditary Cancer Syndrome. Identifiers: Orphanet 140162, MedGen C0027672, MeSH D009386, MONDO:0015356.
Hereditary breast ovarian cancer syndrome. Also called: Hereditary breast and ovarian cancer; Hereditary breast and ovarian cancer syndrome (HBOC); Hereditary breast and/or ovarian cancer syndrome; Breast and ovarian cancer; Hereditary breast and ovarian cancer syndrome; BRCA1- and BRCA2-Associated Hereditary Breast and Ovarian Cancer. Identifiers: Orphanet 145, MedGen C0677776, MeSH D061325, MONDO:0003582. Disease mechanism: loss of function.
Breast-ovarian cancer, familial, susceptibility to, 2 (BROVCA2). Also called: BRCA2 Hereditary Breast and Ovarian Cancer. Identifiers: Orphanet 145, MedGen C2675520, MONDO:0012933, OMIM 612555. Disease mechanism: loss of function.
Familial cancer of breast. Also called: Hereditary breast cancer; BREAST CANCER, FAMILIAL; hereditary breast carcinoma. Identifiers: Orphanet 227535, MedGen C0346153, MONDO:0016419, OMIM 114480. Disease mechanism: loss of function.

Submissions (10):

Evidence-based Network for the Interpretation of Germline Mutant Alleles (ENIGMA)
Classification: Pathogenic for Breast-ovarian cancer, familial, susceptibility to, 2. Last evaluated: 2016-09-08. Review status: reviewed by expert panel. Criteria: ENIGMA BRCA1/2 Classification Criteria (2015). Collection method: curation. Allele origin: germline.
Comment: Variant allele predicted to encode a truncated non-functional protein.

Women's Health and Genetics/Laboratory Corporation of America, LabCorp
Classification: Pathogenic for Hereditary breast ovarian cancer syndrome. Last evaluated: 2025-01-13. Review status: criteria provided, single submitter. Criteria: LabCorp Variant Classification Summary - May 2015. Collection method: clinical testing. Allele origin: germline. Not counted in ClinVar's aggregate classification.
Comment: Variant summary: BRCA2 c.7414_7415delAA (p.Lys2472ValfsX2) results in a premature termination codon, predicted to cause a truncation of the encoded protein or absence of the protein due to nonsense mediated decay, which are commonly known mechanisms for disease. The variant was absent in 251030 control chromosomes. c.7414_7415delAA has been reported in the literature in individuals affected with Hereditary Breast And Ovarian Cancer Syndrome (example: Rebbeck_2018). The following publication has been ascertained in the context of this evaluation (PMID: 29446198). ClinVar contains an entry for this variant (Variation ID: 38094). Based on the evidence outlined above, the variant was classified as pathogenic.

Labcorp Genetics (formerly Invitae), Labcorp
Classification: Pathogenic for Hereditary breast ovarian cancer syndrome. Last evaluated: 2024-09-17. Review status: criteria provided, single submitter. Criteria: Invitae Variant Classification Sherloc (09022015). Collection method: clinical testing. Allele origin: germline. Not counted in ClinVar's aggregate classification.
Comment: This sequence change creates a premature translational stop signal (p.Lys2472Valfs*2) in the BRCA2 gene. It is expected to result in an absent or disrupted protein product. Loss-of-function variants in BRCA2 are known to be pathogenic (PMID: 20104584). This variant is not present in population databases (gnomAD no frequency). This premature translational stop signal has been observed in individual(s) with breast cancer (PMID: 25186627). ClinVar contains an entry for this variant (Variation ID: 38094). For these reasons, this variant has been classified as Pathogenic.

All of Us Research Program, National Institutes of Health
Classification: Pathogenic for Breast-ovarian cancer, familial, susceptibility to, 2. Last evaluated: 2023-02-24. Review status: criteria provided, single submitter. Criteria: ACMG Guidelines, 2015. Collection method: clinical testing. Allele origin: germline. Inheritance: Autosomal dominant inheritance. Observed: 1 variant allele, 1 heterozygote. Not counted in ClinVar's aggregate classification.
Comment: This variant deletes 2 nucleotides in exon 14 of the BRCA2 gene, creating a frameshift and premature translation stop signal. This variant is expected to result in an absent or non-functional protein product. This variant has been identified in 3 families among the CIMBA participants 29446198). This variant has not been identified in the general population by the Genome Aggregation Database (gnomAD). Loss of BRCA2 function is a known mechanism of disease. Based on the available evidence, this variant is classified as Pathogenic.

This study involves interpretation of variants in research participants for the purpose of population health screening. Participant phenotype was not available at the time of variant classification. Additional details can be found in publication PMID: 35346344, PMCID: PMC8962531

Ambry Genetics
Classification: Pathogenic for Hereditary cancer-predisposing syndrome. Last evaluated: 2021-11-11. Review status: criteria provided, single submitter. Criteria: Ambry Variant Classification Scheme 2023. Collection method: clinical testing. Allele origin: germline. Not counted in ClinVar's aggregate classification.
Comment: The c.7414_7415delAA pathogenic mutation, located in coding exon 13 of the BRCA2 gene, results from a deletion of two nucleotides at nucleotide positions 7414 to 7415, causing a translational frameshift with a predicted alternate stop codon (p.K2472Vfs*2). This variant is considered to be rare based on population cohorts in the Genome Aggregation Database (gnomAD). In addition to the clinical data presented in the literature, this alteration is expected to result in loss of function by premature protein truncation or nonsense-mediated mRNA decay. As such, this alteration is interpreted as a disease-causing mutation.

Baylor Genetics
Classification: Pathogenic for Familial cancer of breast. Last evaluated: 2021-08-12. Review status: criteria provided, single submitter. Criteria: ACMG Guidelines, 2015. Collection method: clinical testing. Allele origin: unknown. Not counted in ClinVar's aggregate classification.

Consortium of Investigators of Modifiers of BRCA1/2 (CIMBA), c/o University of Cambridge
Classification: Pathogenic for Breast-ovarian cancer, familial, susceptibility to, 2. Last evaluated: 2015-10-02. Review status: criteria provided, single submitter. Criteria: CIMBA Mutation Classification guidelines May 2016. Collection method: clinical testing. Allele origin: germline. Not counted in ClinVar's aggregate classification.

Research Molecular Genetics Laboratory, Women's College Hospital, University of Toronto
Classification: Pathogenic for Hereditary breast ovarian cancer syndrome. Last evaluated: 2014-01-31. Review status: no assertion criteria provided. Collection method: research. Allele origin: germline. Affected: yes. Study: The Canadian Open Genetics Repository (COGR). Not counted in ClinVar's aggregate classification.

Sharing Clinical Reports Project (SCRP)
Classification: Pathogenic for Breast-ovarian cancer, familial 2. Last evaluated: 2011-06-07. Review status: no assertion criteria provided. Collection method: clinical testing. Allele origin: germline. Not counted in ClinVar's aggregate classification.

Breast Cancer Information Core (BIC) (BRCA2)
Classification: Pathogenic for Breast-ovarian cancer, familial 2. Review status: no assertion criteria provided. Collection method: clinical testing. Allele origin: germline. Affected: yes. Observed: 1 variant allele. Not counted in ClinVar's aggregate classification.

Literature cited by the submitters: PubMed 29446198 (cited by Women's Health and Genetics/Laboratory Corporation of America, LabCorp and Ambry Genetics); PubMed 20104584 (cited by Labcorp Genetics (formerly Invitae), Labcorp); PubMed 25186627 (cited by Labcorp Genetics (formerly Invitae), Labcorp and Ambry Genetics); PubMed 32719484 (cited by Ambry Genetics).

NM_000059.4(BRCA2):c.7414_7415del (p.Lys2472fs)

Gene: BRCA2 (BRCA2 DNA repair associated; plus strand). Cytogenetic location: 13q13.1.
Variant type: Deletion.
Coding change: c.7414_7415del on transcript NM_000059.4 (MANE Select); coding-DNA positions 7414 to 7415, 2 bases deleted (AA; older notation c.7414_7415delAA).
Protein change: p.Lys2472fs; shifts the reading frame from lysine 2472.
Molecular consequence: frameshift variant.
Genome position (GRCh38, 1-based): chr13:32,355,267-32,355,268, AA deleted; deleting any 2 consecutive bases within chr13:32,355,266-32,355,268 gives the same sequence; the c. name uses the placement nearest the transcript's 3' end. VCF-style (leftmost placement, unchanged base first): chr13-32355265-CAA-C. GRCh37 (hg19) VCF-style: chr13-32929402-CAA-C.
Other names: 7642delAA; c.7414_7415delAA (NM_000059.3).
Identifiers: ClinVar variation 38094 (VCV000038094.22), dbSNP rs80359650, ClinGen allele CA025067.
Genomic context (GRCh38, chr13:32,355,265, plus strand): 5'-ACAATGAGATTCATCAGTTTAACAAAAACAACTCCAATCAAGCAGTAGCTGTAACTTTCA[CAA>C]AGTGTGAAGAAGAACCTTTAGGTATTGTATGACAATTTGTGTGATGAATTTTTGCCTTTC-3'